The following is an entry in ClinVar:

NM_004168.4(SDHA):c.1258dup (p.Gln420fs)

Gene: SDHA (succinate dehydrogenase complex flavoprotein subunit A; plus strand). Cytogenetic location: 5p15.33.
Variant type: Duplication.
Coding change: c.1258dup on transcript NM_004168.4 (MANE Select); coding-DNA position 1258, one base duplicated (C; older notation c.1258dupC).
Protein change: p.Gln420fs; shifts the reading frame from glutamine 420.
Molecular consequence: frameshift variant.
Genome position (GRCh38, 1-based): chr5:235,337, C duplicated. VCF-style (leftmost placement, unchanged base first): chr5-235336-G-GC. GRCh37 (hg19) VCF-style: chr5-235451-G-GC.
Other names: c.1114dup, p.Gln372fs (NM_001294332.2); c.1258dup, p.Gln420fs (NM_001330758.2); short protein forms Q372fs, Q420fs.
Identifiers: ClinVar variation 4825100 (VCV004825100.1).

ClinVar aggregate classification (germline): Pathogenic (1 of 4 stars; one submission).

Conditions:
Hereditary cancer-predisposing syndrome. Also called: Neoplastic Syndromes, Hereditary; Tumor predisposition; Hereditary Cancer Syndrome; Hereditary neoplastic syndrome. Identifiers: Orphanet 140162, MedGen C0027672, MeSH D009386, MONDO:0015356.

Submission:

Ambry Genetics
Classification: Pathogenic for Hereditary cancer-predisposing syndrome. Last evaluated: 2026-02-06. Review status: criteria provided, single submitter. Criteria: Ambry Variant Classification Scheme 2023. Collection method: clinical testing. Allele origin: germline.
Comment: The c.1258dupC pathogenic mutation, located in coding exon 9 of the SDHA gene, results from a duplication of C at nucleotide position 1258, causing a translational frameshift with a predicted alternate stop codon (p.Q420Pfs*61). This variant was reported in individual(s) with features consistent with SDHA-related hereditary pheochromocytoma-paraganglioma (Ambry internal data). This variant is considered to be rare based on population cohorts in the Genome Aggregation Database (gnomAD). This alteration is expected to result in loss of function by premature protein truncation or nonsense-mediated mRNA decay. As such, this alteration is interpreted as a disease-causing mutation.